The following is an entry in ClinVar:

NM_002691.4(POLD1):c.971-8C>T

Gene: POLD1 (DNA polymerase delta 1, catalytic subunit; plus strand). Cytogenetic location: 19q13.33.
Variant type: single nucleotide variant.
Coding change: c.971-8C>T on transcript NM_002691.4 (MANE Select); 8 bases into the intron before coding-DNA position 971, C replaced by T.
Molecular consequence: intron variant.
Genome position (GRCh38, 1-based): chr19:50,403,045, C>T. VCF-style: chr19-50403045-C-T. GRCh37 (hg19) VCF-style: chr19-50906302-C-T.
Other names: c.971-8C>T (LRG_785t1, LRG_785t2, NM_001256849.1 and 1 more transcripts).
Identifiers: ClinVar variation 469402 (VCV000469402.19), dbSNP rs373712816, ClinGen allele CA309601304.

ClinVar aggregate classification (germline): Likely benign. Review status: criteria provided, multiple submitters, no conflicts (2 of 4 stars). 3 submissions from 3 submitters: Likely benign (3). Last evaluated 2025-12-22.

Conditions:
POLD1-related polyposis and colorectal cancer syndrome (CRCS10). Also called: Colorectal cancer 10; COLORECTAL CANCER, SUSCEPTIBILITY TO, ON CHROMOSOME 19q; Colorectal cancer, susceptibility to, 10. Identifiers: Orphanet 220460, MedGen C2675481, MONDO:0012953, OMIM 612591.

Allele frequency attached by ClinVar (database versions not stated): TOPMed below 0.00001; gnomAD 0.00001; gnomAD exomes 0.00002; ESP Exome Variant Server 0.00008.
gnomAD v4.1: 23 of 1,554,612 alleles (0.0015%); highest among the groups gnomAD compares: Non-Finnish European, 0.0018%; no homozygotes.

Submissions (3):

Labcorp Genetics (formerly Invitae), Labcorp
Classification: Likely benign for POLD1-related polyposis and colorectal cancer syndrome. Last evaluated: 2025-12-22. Review status: criteria provided, single submitter. Criteria: Invitae Variant Classification Sherloc (09022015). Collection method: clinical testing. Allele origin: germline.

Center for Genomic Medicine, Rigshospitalet, Copenhagen University Hospital
Classification: Likely benign. Last evaluated: 2025-03-04. Review status: criteria provided, single submitter. Criteria: ACMG Guidelines, 2015. Collection method: clinical testing. Allele origin: germline.

Myriad Genetics, Inc.
Classification: Likely benign for POLD1-related polyposis and colorectal cancer syndrome. Last evaluated: 2025-02-05. Review status: criteria provided, single submitter. Criteria: Myriad Autosomal Dominant, Autosomal Recessive and X-Linked Classification Criteria (2023). Collection method: clinical testing. Allele origin: unknown.
Comment: This variant is considered likely benign. This variant is intronic and is not expected to impact mRNA splicing.